The following is an entry in ClinVar:

NM_000238.4(KCNH2):c.1128+1400G>A

Gene: KCNH2 (potassium voltage-gated channel subfamily H member 2; minus strand). Cytogenetic location: 7q36.1.
Variant type: single nucleotide variant.
Coding change: c.1128+1400G>A on transcript NM_000238.4 (MANE Select); 1400 bases into the intron after coding-DNA position 1128, G replaced by A.
Molecular consequence: intron variant.
Genome position (GRCh38, 1-based): chr7:150,955,891, C>T on the plus strand (G>A on the coding strand, the complement: KCNH2 is on the minus strand). VCF-style: chr7-150955891-C-T. GRCh37 (hg19) VCF-style: chr7-150652979-C-T.
Other names: c.840+1400G>A (NM_001406753.1, NM_001406756.1); c.1128+1400G>A (NM_172056.3); c.951+1400G>A (NM_001406755.1); c.828+1400G>A (NM_001406757.1).
Identifiers: ClinVar variation 683885 (VCV000683885.3), dbSNP rs540473463, ClinGen allele CA169080124.

ClinVar aggregate classification (germline): Likely benign (1 of 4 stars; one submission).

Allele frequency attached by ClinVar (database versions not stated): 1000 Genomes Project 0.00240; 1000 Genomes Project 30x 0.00297; TOPMed 0.00523; gnomAD exomes 0.00630; gnomAD 0.00669 and 0.00706.
gnomAD v4.1: 6,111 of 955,834 alleles (0.64%); highest among the groups gnomAD compares: Admixed American, 0.93%; 22 homozygotes.

Submission:

GeneDx
Classification: Likely benign. Last evaluated: 2018-06-16. Review status: criteria provided, single submitter. Criteria: GeneDx Variant Classification (06012015). Collection method: clinical testing. Allele origin: germline. Affected: yes.
Comment: This variant is considered likely benign or benign based on one or more of the following criteria: it is a conservative change, it occurs at a poorly conserved position in the protein, it is predicted to be benign by multiple in silico algorithms, and/or has population frequency not consistent with disease.